The following is an entry in ClinVar:

NM_001040113.2(MYH11):c.5822A>G (p.Gln1941Arg)

Genes: MYH11 (myosin heavy chain 11; minus strand), NDE1 (nudE neurodevelopment protein 1; plus strand). Cytogenetic location: 16p13.11.
Variant type: single nucleotide variant.
Coding change: c.5822A>G on transcript NM_001040113.2 (MANE Plus Clinical); coding-DNA position 5822, A replaced by G.
Protein change: p.Gln1941Arg; replaces glutamine 1941 with arginine.
Molecular consequence: missense variant. On other transcripts: intron variant (4).
Genome position (GRCh38, 1-based): chr16:15,708,827, T>C on the plus strand (A>G on the coding strand, the complement: MYH11 is on the minus strand). VCF-style: chr16-15708827-T-C. GRCh37 (hg19) VCF-style: chr16-15802684-T-C.
Other names: c.5801A>G, p.Gln1934Arg (NM_022844.3); c.947+11967T>C (NM_001143979.2, NM_017668.3); c.5787-4704A>G (NM_002474.3); c.5808-4704A>G (NM_001040114.2); short protein forms Q1941R, Q1934R.
Identifiers: ClinVar variation 218497 (VCV000218497.42), dbSNP rs761957202, ClinGen allele CA277898.
Genomic context (GRCh38, chr16:15,708,827, plus strand): 5'-AGACAACACACAGCTGCGAAGCTGAAGGCATGATACCTGGTGCATCACTGCGAAGTTTCC[T>C]GTGGGGGGGGCCCTCTGAAACAGAGAGAGAATCCCCGGAGGTTACCATCAGCAAACAAGA-3'
Protein context (NP_001035202.1, residues 1931-1945): LKSKLRGPPP[Gln1941Arg]ETSQ

ClinVar aggregate classification (germline): Uncertain significance. Review status: criteria provided, multiple submitters, no conflicts (2 of 4 stars). 7 submissions from 7 submitters: Uncertain significance (7). Last evaluated 2026-07-02.

Conditions:
Familial thoracic aortic aneurysm and aortic dissection (TAAD). Also called: Thoracic aortic aneurysms and dissections. Identifiers: Orphanet 91387, MedGen C4707243, MONDO:0019625.
Aortic aneurysm, familial thoracic 4 (AAT4). Also called: AORTIC ANEURYSM/AORTIC DISSECTION AND PATENT DUCTUS ARTERIOSUS. Identifiers: MedGen C1851504, MONDO:0007568, OMIM 132900.

Allele frequency attached by ClinVar (database versions not stated): gnomAD exomes below 0.00001; ExAC 0.00001; gnomAD 0.00001; TOPMed 0.00001.
gnomAD v4.1: 14 of 1,610,028 alleles (0.00087%); highest among the groups gnomAD compares: Non-Finnish European, 0.0011%; no homozygotes.

Submissions (7):

Ambry Genetics
Classification: Uncertain significance for Familial thoracic aortic aneurysm and aortic dissection. Last evaluated: 2026-07-02. Review status: criteria provided, single submitter. Criteria: Ambry Variant Classification Scheme 2023. Collection method: clinical testing. Allele origin: germline.
Comment: The p.Q1941R variant (also known as c.5822A>G), located in coding exon 41 of the MYH11 gene, results from an A to G substitution at nucleotide position 5822. The glutamine at codon 1941 is replaced by arginine, an amino acid with highly similar properties. This amino acid position is conserved. In addition, the in silico prediction for this alteration is inconclusive. Based on the available evidence, the clinical significance of this variant remains unclear.

Labcorp Genetics (formerly Invitae), Labcorp
Classification: Uncertain significance for Aortic aneurysm, familial thoracic 4. Last evaluated: 2026-01-04. Review status: criteria provided, single submitter. Criteria: Invitae Variant Classification Sherloc (09022015). Collection method: clinical testing. Allele origin: germline.
Comment: This sequence change replaces glutamine, which is neutral and polar, with arginine, which is basic and polar, at codon 1941 of the MYH11 protein (p.Gln1941Arg). This variant is present in population databases (rs761957202, gnomAD 0.002%). This variant has not been reported in the literature in individuals affected with MYH11-related conditions. ClinVar contains an entry for this variant (Variation ID: 218497). An algorithm developed to predict the effect of missense changes on protein structure and function (PolyPhen-2) suggests that this variant is likely to be tolerated. In summary, the available evidence is currently insufficient to determine the role of this variant in disease. Therefore, it has been classified as a Variant of Uncertain Significance.

All of Us Research Program, National Institutes of Health
Classification: Uncertain significance for Familial thoracic aortic aneurysm and aortic dissection. Last evaluated: 2024-07-29. Review status: criteria provided, single submitter. Criteria: ACMG Guidelines, 2015. Collection method: clinical testing. Allele origin: germline. Inheritance: Autosomal dominant inheritance. Observed: 10 variant alleles, 10 heterozygotes.
Comment: This missense variant replaces glutamine with arginine at codon 1941 of the MYH11 protein. Computational prediction suggests that this variant may not impact protein structure and function (internally defined REVEL score threshold <= 0.5, PMID: 27666373). To our knowledge, functional studies have not been reported for this variant. This variant has not been reported in individuals affected with cardiovascular disorders in the literature. This variant has been identified in 1/243548 chromosomes in the general population by the Genome Aggregation Database (gnomAD). The available evidence is insufficient to determine the role of this variant in disease conclusively. Therefore, this variant is classified as a Variant of Uncertain Significance.

This study involves interpretation of variants in research participants for the purpose of population health screening. Participant phenotype was not available at the time of variant classification. Additional details can be found in publication PMID: 35346344, PMCID: PMC8962531

Color Diagnostics, LLC DBA Color Health
Classification: Uncertain significance for Familial thoracic aortic aneurysm and aortic dissection. Last evaluated: 2024-03-06. Review status: criteria provided, single submitter. Criteria: ACMG Guidelines, 2015. Collection method: clinical testing. Allele origin: germline.
Comment: This missense variant replaces glutamine with arginine at codon 1941 of the MYH11 protein. Computational prediction suggests that this variant may not impact protein structure and function (internally defined REVEL score threshold <= 0.5, PMID: 27666373). To our knowledge, functional studies have not been reported for this variant. This variant has not been reported in individuals affected with cardiovascular disorders in the literature. This variant has been identified in 1/243548 chromosomes in the general population by the Genome Aggregation Database (gnomAD). The available evidence is insufficient to determine the role of this variant in disease conclusively. Therefore, this variant is classified as a Variant of Uncertain Significance.

CeGaT Center for Human Genetics Tuebingen
Classification: Uncertain significance. Last evaluated: 2022-08-01. Review status: criteria provided, single submitter. Criteria: CeGaT Center For Human Genetics Tuebingen Variant Classification Criteria Version 2. Collection method: clinical testing. Allele origin: germline. Affected: yes. Observed: 1 variant allele.
Comment: MYH11: PM2, BP4

GeneDx
Classification: Uncertain significance. Last evaluated: 2021-08-28. Review status: criteria provided, single submitter. Criteria: GeneDx Variant Classification Process June 2021. Collection method: clinical testing. Allele origin: germline. Affected: yes.
Comment: Not observed at significant frequency in large population cohorts (Lek et al., 2016); In silico analysis supports that this variant does not alter splicing; Has not been previously published as pathogenic or benign to our knowledge

Genomic Diagnostic Laboratory, Division of Genomic Diagnostics, Children's Hospital of Philadelphia
Classification: Uncertain significance for Aortic aneurysm, familial thoracic 4. Last evaluated: 2015-06-05. Review status: criteria provided, single submitter. Criteria: DGD Variant Analysis Guidelines. Collection method: clinical testing. Allele origin: unknown.